The following is an entry in ClinVar:

NM_032242.4(PLXNA1):c.3365G>A (p.Arg1122Gln)

Gene: PLXNA1 (plexin A1; plus strand). Cytogenetic location: 3q21.3.
Variant type: single nucleotide variant.
Coding change: c.3365G>A on transcript NM_032242.4 (MANE Select); coding-DNA position 3365, G replaced by A.
Protein change: p.Arg1122Gln; replaces arginine 1122 with glutamine.
Molecular consequence: missense variant.
Genome position (GRCh38, 1-based): chr3:127,017,513, G>A. VCF-style: chr3-127017513-G-A. GRCh37 (hg19) VCF-style: chr3-126736356-G-A.
Other names: short protein forms R1122Q.
Identifiers: ClinVar variation 3356152 (VCV003356152.2).

ClinVar aggregate classification (germline): Uncertain significance. Review status: criteria provided, single submitter (1 of 4 stars). 2 submissions from 2 submitters: Uncertain significance (1). 1 of the submissions does not count toward it. Last evaluated 2024-07-02.

Conditions:
PLXNA1-related disorder. Also called: PLXNA1-related condition.

gnomAD v4.1: 6 of 1,613,426 alleles (0.00037%); highest among the groups gnomAD compares: South Asian, 0.0033%; no homozygotes.

Submissions (2):

Ambry Genetics
Classification: Uncertain significance. Last evaluated: 2024-07-02. Review status: criteria provided, single submitter. Criteria: Ambry Variant Classification Scheme 2023. Collection method: clinical testing. Allele origin: germline.

PreventionGenetics, part of Exact Sciences
Classification: Uncertain significance for PLXNA1-related condition. Last evaluated: 2024-06-06. Review status: no assertion criteria provided. Collection method: clinical testing. Allele origin: germline. Not counted in ClinVar's aggregate classification.
Comment: The PLXNA1 c.3365G>A variant is predicted to result in the amino acid substitution p.Arg1122Gln. To our knowledge, this variant has not been reported in the literature or in a large population database, indicating this variant is rare. At this time, the clinical significance of this variant is uncertain due to the absence of conclusive functional and genetic evidence.